The following is an entry in ClinVar:

NM_005276.4(GPD1):c.605C>T (p.Ala202Val)

Gene: GPD1 (glycerol-3-phosphate dehydrogenase 1; plus strand). Cytogenetic location: 12q13.12.
Variant type: single nucleotide variant.
Coding change: c.605C>T on transcript NM_005276.4 (MANE Select); coding-DNA position 605, C replaced by T.
Protein change: p.Ala202Val; replaces alanine 202 with valine.
Molecular consequence: missense variant.
Genome position (GRCh38, 1-based): chr12:50,106,910, C>T. VCF-style: chr12-50106910-C-T. GRCh37 (hg19) VCF-style: chr12-50500693-C-T.
Other names: c.536C>T, p.Ala179Val (NM_001257199.2); c.605C>T (NM_005276.2); short protein forms A202V, A179V.
Identifiers: ClinVar variation 2906066 (VCV002906066.4), dbSNP rs764224317, ClinGen allele CA6561647.

ClinVar aggregate classification (germline): Uncertain significance. Review status: criteria provided, multiple submitters, no conflicts (2 of 4 stars). 2 submissions from 2 submitters: Uncertain significance (2). Last evaluated 2025-09-25.

Conditions:
Inborn genetic diseases. Identifiers: MedGen C0950123, MeSH D030342.

gnomAD v4.1: 3 of 1,597,752 alleles (0.00019%); highest among the groups gnomAD compares: Non-Finnish European, 0.00026%; no homozygotes.

Submissions (2):

Ambry Genetics
Classification: Uncertain significance for Inborn genetic diseases. Last evaluated: 2025-09-25. Review status: criteria provided, single submitter. Criteria: Ambry Variant Classification Scheme 2023. Collection method: clinical testing. Allele origin: germline.

Labcorp Genetics (formerly Invitae), Labcorp
Classification: Uncertain significance. Last evaluated: 2023-07-25. Review status: criteria provided, single submitter. Criteria: Invitae Variant Classification Sherloc (09022015). Collection method: clinical testing. Allele origin: germline.
Comment: In summary, the available evidence is currently insufficient to determine the role of this variant in disease. Therefore, it has been classified as a Variant of Uncertain Significance. Advanced modeling of protein sequence and biophysical properties (such as structural, functional, and spatial information, amino acid conservation, physicochemical variation, residue mobility, and thermodynamic stability) performed at Invitae indicates that this missense variant is not expected to disrupt GPD1 protein function. This missense change has been observed in individual(s) with dyslipidemia (PMID: 32041611). This variant is present in population databases (rs764224317, gnomAD 0.002%). This sequence change replaces alanine, which is neutral and non-polar, with valine, which is neutral and non-polar, at codon 202 of the GPD1 protein (p.Ala202Val).

Literature cited by the submitters: PubMed 32041611 (cited by Labcorp Genetics (formerly Invitae), Labcorp).